The following is an entry in ClinVar:

ClinVar aggregate classification (germline): Pathogenic. Review status: criteria provided, multiple submitters, no conflicts (2 of 4 stars). 2 submissions from 2 submitters: Pathogenic (2). Last evaluated 2025-02-11.

Allele frequency attached by ClinVar (database versions not stated): gnomAD exomes 0.00001.

Submissions (2):

GeneDx
Classification: Pathogenic. Last evaluated: 2025-02-11. Review status: criteria provided, single submitter. Criteria: GeneDx Variant Classification Process June 2021. Collection method: clinical testing. Allele origin: germline. Affected: yes.
Comment: Nonsense variant predicted to result in protein truncation or nonsense mediated decay in a gene for which loss of function is a known mechanism of disease; Not observed at significant frequency in large population cohorts (gnomAD); This variant is associated with the following publications: (PMID: 28122681)

Eurofins Ntd Llc (ga)
Classification: Pathogenic. Last evaluated: 2014-07-17. Review status: criteria provided, single submitter. Criteria: EGL Classification Definitions 2015. Collection method: clinical testing. Allele origin: germline. Observed: 4 variant alleles, 3 heterozygotes, 1 homozygote.

NM_012463.4(ATP6V0A2):c.304C>T (p.Gln102Ter)

Gene: ATP6V0A2 (ATPase H+ transporting V0 subunit a2; plus strand). Cytogenetic location: 12q24.31.
Variant type: single nucleotide variant.
Coding change: c.304C>T on transcript NM_012463.4 (MANE Select); coding-DNA position 304, C replaced by T.
Protein change: p.Gln102Ter; replaces glutamine 102 with a stop codon.
Molecular consequence: nonsense.
Genome position (GRCh38, 1-based): chr12:123,724,663, C>T. VCF-style: chr12-123724663-C-T. GRCh37 (hg19) VCF-style: chr12-124209210-C-T.
Other names: c.304C>T (NM_012463.3); short protein forms Q102*.
Identifiers: ClinVar variation 197291 (VCV000197291.6), dbSNP rs794727643, ClinGen allele CA275260.